The following is an entry in ClinVar:

ClinVar aggregate classification (germline): Pathogenic. Review status: criteria provided, multiple submitters, no conflicts (2 of 4 stars). 2 submissions from 2 submitters: Pathogenic (2). Last evaluated 2026-05-30.

Conditions:
Tyrosinase-positive oculocutaneous albinism (OCA2). Also called: ALBINISM II; Oculocutaneous albinism type 2; Albinism, oculocutaneous, type II. Identifiers: Orphanet 79432, MedGen C0268495, MONDO:0008746, OMIM 203200.

Submissions (2):

Myriad Genetics, Inc.
Classification: Pathogenic for Tyrosinase-positive oculocutaneous albinism. Last evaluated: 2026-05-30. Review status: criteria provided, single submitter. Criteria: Myriad Autosomal Dominant, Autosomal Recessive and X-Linked Classification Criteria (2023). Collection method: clinical testing. Allele origin: unknown.
Comment: NM_000275.2(OCA2):c.880_881delGT(V294Tfs*54) is expected to be pathogenic in the context of oculocutaneous albinism, OCA2-related. This variant is predicted to lead to an abnormal or absent protein product due to the creation of a premature termination codon in OCA2, a gene where loss-of-function variants are known to be pathogenic. Please note: this variant was assessed in the context of healthy population screening.

Labcorp Genetics (formerly Invitae), Labcorp
Classification: Pathogenic. Last evaluated: 2024-03-28. Review status: criteria provided, single submitter. Criteria: Invitae Variant Classification Sherloc (09022015). Collection method: clinical testing. Allele origin: germline.
Comment: This sequence change creates a premature translational stop signal (p.Val294Thrfs*54) in the OCA2 gene. It is expected to result in an absent or disrupted protein product. Loss-of-function variants in OCA2 are known to be pathogenic (PMID: 19865097, 21541274). This variant is not present in population databases (gnomAD no frequency). This variant has not been reported in the literature in individuals affected with OCA2-related conditions. For these reasons, this variant has been classified as Pathogenic.

Literature cited by the submitters: PubMed 19865097 (cited by Labcorp Genetics (formerly Invitae), Labcorp); PubMed 21541274 (cited by Labcorp Genetics (formerly Invitae), Labcorp).

NM_000275.3(OCA2):c.880_881del (p.Val294fs)

Gene: OCA2 (OCA2 melanosomal transmembrane protein; minus strand). Cytogenetic location: 15q13.1.
Variant type: Deletion.
Coding change: c.880_881del on transcript NM_000275.3 (MANE Select); coding-DNA positions 880 to 881, 2 bases deleted (GT; older notation c.880_881delGT).
Protein change: p.Val294fs; shifts the reading frame from valine 294.
Molecular consequence: frameshift variant.
Genome position (GRCh38, 1-based): chr15:28,016,113-28,016,114, AC deleted on the plus strand (GT on the coding strand, the reverse complement: OCA2 is on the minus strand). VCF-style (leftmost placement, unchanged base first): chr15-28016112-TAC-T. GRCh37 (hg19) VCF-style: chr15-28261258-TAC-T.
Other names: c.880_881del, p.Val294fs (NM_001300984.2); short protein forms V294fs.
Identifiers: ClinVar variation 3641685 (VCV003641685.3).
Genomic context (GRCh38, chr15:28,016,112, plus strand): 5'-ACGCACGTGTCCCAGAGAGCCTGCCCCAACACCTCACTCACTGAGAACTCACCTGGTCAG[TAC>T]CTCAAAGGTCCTGCTCATCACTGAGTGCTCGCTTCTCCTCGGATTTAAATACACCGTCCA-3'